The following is an entry in ClinVar:

ClinVar aggregate classification (germline): Uncertain significance (1 of 4 stars; one submission).

Allele frequency attached by ClinVar (database versions not stated): gnomAD exomes below 0.00001; gnomAD 0.00001; TOPMed 0.00004; ESP Exome Variant Server 0.00009.
gnomAD v4.1: 2 of 1,209,524 alleles (0.00017%); highest among the groups gnomAD compares: Non-Finnish European, 0.00022%; no homozygotes.

Submission:

GeneDx
Classification: Uncertain significance. Last evaluated: 2019-10-18. Review status: criteria provided, single submitter. Criteria: GeneDx Variant Classification Process June 2021. Collection method: clinical testing. Allele origin: germline. Affected: yes.
Comment: Has not been previously published as pathogenic or benign to our knowledge; Not observed in large population cohorts (Lek et al., 2016); In silico analysis, which includes protein predictors and evolutionary conservation, supports a deleterious effect

NM_153252.5(BRWD3):c.2114T>C (p.Ile705Thr)

Gene: BRWD3 (bromodomain and WD repeat domain containing 3; minus strand). Cytogenetic location: Xq21.1.
Variant type: single nucleotide variant.
Coding change: c.2114T>C on transcript NM_153252.5 (MANE Select); coding-DNA position 2114, T replaced by C.
Protein change: p.Ile705Thr; replaces isoleucine 705 with threonine.
Molecular consequence: missense variant.
Genome position (GRCh38, 1-based): chrX:80,717,690, A>G on the plus strand (T>C on the coding strand, the complement: BRWD3 is on the minus strand). VCF-style: chrX-80717690-A-G. GRCh37 (hg19) VCF-style: chrX-79973189-A-G.
Other names: short protein forms I705T.
Identifiers: ClinVar variation 1309578 (VCV001309578.2), dbSNP rs149612876, ClinGen allele CA331111849.